The following is an entry in ClinVar:

ClinVar aggregate classification (germline): Likely benign (0 of 4 stars; one submission).

Conditions:
SMC3-related disorder. Also called: SMC3-related condition.

Allele frequency attached by ClinVar (database versions not stated): gnomAD exomes below 0.00001.
gnomAD v4.1: 3 of 1,614,118 alleles (0.00019%); highest among the groups gnomAD compares: Non-Finnish European, 0.00017%; no homozygotes.

Submission:

PreventionGenetics, part of Exact Sciences
Classification: Likely benign for SMC3-related condition. Last evaluated: 2023-05-01. Review status: no assertion criteria provided. Collection method: clinical testing. Allele origin: germline.
Comment: This variant is classified as likely benign based on ACMG/AMP sequence variant interpretation guidelines (Richards et al. 2015 PMID: 25741868, with internal and published modifications).

NM_005445.4(SMC3):c.867A>G (p.Glu289=)

Gene: SMC3 (structural maintenance of chromosomes 3; plus strand). Cytogenetic location: 10q25.2.
Variant type: single nucleotide variant.
Coding change: c.867A>G on transcript NM_005445.4 (MANE Select); coding-DNA position 867, A replaced by G.
Protein change: p.Glu289=; no amino-acid change (glutamic acid 289 retained).
Molecular consequence: synonymous variant.
Genome position (GRCh38, 1-based): chr10:110,583,446, A>G. VCF-style: chr10-110583446-A-G. GRCh37 (hg19) VCF-style: chr10-112343204-A-G.
Identifiers: ClinVar variation 3050091 (VCV003050091.2), dbSNP rs2493115783, ClinGen allele CA471371140.